The following is an entry in ClinVar:

ClinVar aggregate classification (germline): Likely benign (0 of 4 stars; one submission).

Conditions:
TTN-related disorder. Also called: TTN-related condition; TTN-related disease; TTN-related disorders.

Allele frequency attached by ClinVar (database versions not stated): ExAC 0.00001; gnomAD 0.00001; 1000 Genomes Project 30x 0.00016; 1000 Genomes Project 0.00020.
gnomAD v4.1: 1 of 1,614,156 alleles (0.000062%); highest among the groups gnomAD compares: African/African-American, 0.0013%; no homozygotes.

Submission:

PreventionGenetics, part of Exact Sciences
Classification: Likely benign for TTN-related condition. Last evaluated: 2022-02-15. Review status: no assertion criteria provided. Collection method: clinical testing. Allele origin: germline.
Comment: This variant is classified as likely benign based on ACMG/AMP sequence variant interpretation guidelines (Richards et al. 2015 PMID: 25741868, with internal and published modifications).

NM_001267550.2(TTN):c.813T>A (p.Ile271=)

Gene: TTN (titin; minus strand). Cytogenetic location: 2q31.2.
Variant type: single nucleotide variant.
Coding change: c.813T>A on transcript NM_001267550.2 (MANE Select); coding-DNA position 813, T replaced by A.
Protein change: p.Ile271=; no amino-acid change (isoleucine 271 retained).
Molecular consequence: synonymous variant.
Genome position (GRCh38, 1-based): chr2:178,799,588, A>T on the plus strand (T>A on the coding strand, the complement: TTN is on the minus strand). VCF-style: chr2-178799588-A-T. GRCh37 (hg19) VCF-style: chr2-179664315-A-T.
Other names: c.813T>A, p.Ile271= (NM_001256850.1, NM_003319.4, NM_133378.4 and 3 more transcripts).
Identifiers: ClinVar variation 3058939 (VCV003058939.2), dbSNP rs541351101, ClinGen allele CA2006219.